The following is an entry in ClinVar:

NM_000218.3(KCNQ1):c.946G>C (p.Gly316Arg)

Gene: KCNQ1 (potassium voltage-gated channel subfamily Q member 1; plus strand). Cytogenetic location: 11p15.5.
Variant type: single nucleotide variant.
Coding change: c.946G>C on transcript NM_000218.3 (MANE Select); coding-DNA position 946, G replaced by C.
Protein change: p.Gly316Arg; replaces glycine 316 with arginine.
Molecular consequence: missense variant.
Genome position (GRCh38, 1-based): chr11:2,583,459, G>C. VCF-style: chr11-2583459-G-C. GRCh37 (hg19) VCF-style: chr11-2604689-G-C.
Other names: c.946G>C (LRG_287t1); c.946G>C, p.Gly316Arg (NM_001406836.1); c.676G>C, p.Gly226Arg (NM_001406837.1); c.502G>C, p.Gly168Arg (NM_001406838.1); c.565G>C, p.Gly189Arg (NM_181798.2); short protein forms G316R, G189R, G226R, G168R.
Identifiers: ClinVar variation 53143 (VCV000053143.3), dbSNP rs104894255, ClinGen allele CA008832.
Genomic context (GRCh38, chr11:2,583,459, plus strand): 5'-CCCATCCGTGGCTGACCACTGTCCCTCTCCCTGCAGGTCACAGTCACCACCATCGGCTAT[G>C]GGGACAAGGTGCCCCAGACGTGGGTCGGGAAGACCATCGCCTCCTGCTTCTCTGTCTTTG-3'
Protein context (NP_000209.2, residues 306-326): GVVTVTTIGY[Gly316Arg]DKVPQTWVGK

ClinVar aggregate classification (germline): not provided (0 of 4 stars; one submission).

Conditions:
Familial long QT syndrome (RWS). Also called: Congenital long QT syndrome; Romano-Ward syndrome; VENTRICULAR FIBRILLATION WITH PROLONGED QT INTERVAL. Identifiers: Orphanet 768, MedGen C1141890, MONDO:0019171.

Submission:

Cardiovascular Biomedical Research Unit, Royal Brompton & Harefield NHS Foundation Trust
No classification provided. Condition: Familial long QT syndrome. Review status: no classification provided. Collection method: literature only. Allele origin: germline.
Comment: This variant has been reported as associated with Long QT syndrome in the following publications (PMID:12402336). This is a literature report, and does not necessarily reflect the clinical interpretation of the Imperial College / Royal Brompton Cardiovascular Genetics laboratory.

Literature cited by the submitters: PubMed 12402336; PubMed 22581653.